The following is an entry in ClinVar:

ClinVar aggregate classification (germline): Benign. Review status: criteria provided, multiple submitters, no conflicts (2 of 4 stars). 3 submissions from 3 submitters: Benign (3). Last evaluated 2024-07-15.

Allele frequency attached by ClinVar (database versions not stated): ESP Exome Variant Server 0.02553; gnomAD exomes 0.03213; ExAC 0.03311; gnomAD 0.03347 and 0.03370; 1000 Genomes Project 30x 0.03482; 1000 Genomes Project 0.03514; TOPMed 0.03662.
gnomAD v4.1: 58,059 of 1,613,540 alleles (3.6%); highest among the groups gnomAD compares: Middle Eastern, 7.5%; 1,211 homozygotes.

Submissions (41):

Mayo Clinic Laboratories, Mayo Clinic
Classification: Benign. Last evaluated: 2024-07-15. Review status: criteria provided, single submitter. Criteria: ACMG Guidelines, 2015. Collection method: clinical testing. Allele origin: germline. Observed: 10 variant alleles.
Comment: BS1, BS2, BP4

GeneDx
Classification: Benign. Last evaluated: 2020-12-28. Review status: criteria provided, single submitter. Criteria: GeneDx Variant Classification Process June 2021. Collection method: clinical testing. Allele origin: germline. Affected: yes.

Breakthrough Genomics
Classification: Benign. Review status: criteria provided, single submitter. Criteria: ACMG Guidelines, 2015. Collection method: not provided. Allele origin: germline. Inheritance: Autosomal recessive inheritance. Affected: yes.

Dr. Peter K. Rogan Lab, Western University
No classification provided (evidence only). Condition: Melanoma. Review status: no classification provided. Collection method: in vitro. Allele origin: not applicable. Functional consequence: retained intron. Not counted in ClinVar's aggregate classification.

Dr. Peter K. Rogan Lab, Western University
No classification provided (evidence only). Condition: Melanoma. Review status: no classification provided. Collection method: in vitro. Allele origin: not applicable. Functional consequence: retained intron. Not counted in ClinVar's aggregate classification.

Dr. Peter K. Rogan Lab, Western University
No classification provided (evidence only). Condition: Familial cancer of breast. Review status: no classification provided. Collection method: in vitro. Allele origin: not applicable. Functional consequence: retained intron. Not counted in ClinVar's aggregate classification.

Dr. Peter K. Rogan Lab, Western University
No classification provided (evidence only). Condition: Acute myeloid leukemia. Review status: no classification provided. Collection method: in vitro. Allele origin: not applicable. Functional consequence: retained intron. Not counted in ClinVar's aggregate classification.

Dr. Peter K. Rogan Lab, Western University
No classification provided (evidence only). Condition: Colon adenocarcinoma. Review status: no classification provided. Collection method: in vitro. Allele origin: not applicable. Functional consequence: retained intron. Not counted in ClinVar's aggregate classification.

Dr. Peter K. Rogan Lab, Western University
No classification provided (evidence only). Condition: Cervical cancer. Review status: no classification provided. Collection method: in vitro. Allele origin: not applicable. Functional consequence: retained intron. Not counted in ClinVar's aggregate classification.

Dr. Peter K. Rogan Lab, Western University
No classification provided (evidence only). Condition: Sarcoma. Review status: no classification provided. Collection method: in vitro. Allele origin: not applicable. Functional consequence: retained intron. Not counted in ClinVar's aggregate classification.

Dr. Peter K. Rogan Lab, Western University
No classification provided (evidence only). Condition: Malignant lymphoma, large B-cell, diffuse. Review status: no classification provided. Collection method: in vitro. Allele origin: not applicable. Functional consequence: retained intron. Not counted in ClinVar's aggregate classification.

Dr. Peter K. Rogan Lab, Western University
No classification provided (evidence only). Condition: Hepatocellular carcinoma. Review status: no classification provided. Collection method: in vitro. Allele origin: not applicable. Functional consequence: retained intron. Not counted in ClinVar's aggregate classification.

Dr. Peter K. Rogan Lab, Western University
No classification provided (evidence only). Condition: Thymoma. Review status: no classification provided. Collection method: in vitro. Allele origin: not applicable. Functional consequence: retained intron. Not counted in ClinVar's aggregate classification.

Dr. Peter K. Rogan Lab, Western University
No classification provided (evidence only). Condition: Thymoma. Review status: no classification provided. Collection method: in vitro. Allele origin: not applicable. Functional consequence: retained intron. Not counted in ClinVar's aggregate classification.

Dr. Peter K. Rogan Lab, Western University
No classification provided (evidence only). Condition: Cholangiocarcinoma. Review status: no classification provided. Collection method: in vitro. Allele origin: not applicable. Functional consequence: retained intron. Not counted in ClinVar's aggregate classification.

Dr. Peter K. Rogan Lab, Western University
No classification provided (evidence only). Condition: Gastric cancer. Review status: no classification provided. Collection method: in vitro. Allele origin: not applicable. Functional consequence: retained intron. Not counted in ClinVar's aggregate classification.

Dr. Peter K. Rogan Lab, Western University
No classification provided (evidence only). Condition: Malignant tumor of esophagus. Review status: no classification provided. Collection method: in vitro. Allele origin: not applicable. Functional consequence: retained intron. Not counted in ClinVar's aggregate classification.

Dr. Peter K. Rogan Lab, Western University
No classification provided (evidence only). Condition: Malignant tumor of esophagus. Review status: no classification provided. Collection method: in vitro. Allele origin: not applicable. Functional consequence: retained intron. Not counted in ClinVar's aggregate classification.

Dr. Peter K. Rogan Lab, Western University
No classification provided (evidence only). Condition: Chronic lymphocytic leukemia/small lymphocytic lymphoma. Review status: no classification provided. Collection method: in vitro. Allele origin: not applicable. Functional consequence: retained intron. Not counted in ClinVar's aggregate classification.

Dr. Peter K. Rogan Lab, Western University
No classification provided (evidence only). Condition: Chronic lymphocytic leukemia/small lymphocytic lymphoma. Review status: no classification provided. Collection method: in vitro. Allele origin: not applicable. Functional consequence: cryptic splice site. Not counted in ClinVar's aggregate classification.

Dr. Peter K. Rogan Lab, Western University
No classification provided (evidence only). Condition: Familial pancreatic carcinoma. Review status: no classification provided. Collection method: in vitro. Allele origin: not applicable. Functional consequence: cryptic splice site. Not counted in ClinVar's aggregate classification.

Dr. Peter K. Rogan Lab, Western University
No classification provided (evidence only). Condition: Familial pancreatic carcinoma. Review status: no classification provided. Collection method: in vitro. Allele origin: not applicable. Functional consequence: cryptic splice site. Not counted in ClinVar's aggregate classification.

Dr. Peter K. Rogan Lab, Western University
No classification provided (evidence only). Condition: Familial pancreatic carcinoma. Review status: no classification provided. Collection method: in vitro. Allele origin: not applicable. Functional consequence: cryptic splice site. Not counted in ClinVar's aggregate classification.

Dr. Peter K. Rogan Lab, Western University
No classification provided (evidence only). Condition: Familial pancreatic carcinoma. Review status: no classification provided. Collection method: in vitro. Allele origin: not applicable. Functional consequence: cryptic splice site, retained intron. Not counted in ClinVar's aggregate classification.

Dr. Peter K. Rogan Lab, Western University
No classification provided (evidence only). Condition: Familial pancreatic carcinoma. Review status: no classification provided. Collection method: in vitro. Allele origin: not applicable. Functional consequence: cryptic splice site. Not counted in ClinVar's aggregate classification.

Dr. Peter K. Rogan Lab, Western University
No classification provided (evidence only). Condition: Familial pancreatic carcinoma. Review status: no classification provided. Collection method: in vitro. Allele origin: not applicable. Functional consequence: cryptic splice site, retained intron. Not counted in ClinVar's aggregate classification.

Dr. Peter K. Rogan Lab, Western University
No classification provided (evidence only). Condition: Familial pancreatic carcinoma. Review status: no classification provided. Collection method: in vitro. Allele origin: not applicable. Functional consequence: retained intron. Not counted in ClinVar's aggregate classification.

Dr. Peter K. Rogan Lab, Western University
No classification provided (evidence only). Condition: Familial pancreatic carcinoma. Review status: no classification provided. Collection method: in vitro. Allele origin: not applicable. Functional consequence: cryptic splice site. Not counted in ClinVar's aggregate classification.

Dr. Peter K. Rogan Lab, Western University
No classification provided (evidence only). Condition: Familial pancreatic carcinoma. Review status: no classification provided. Collection method: in vitro. Allele origin: not applicable. Functional consequence: cryptic splice site. Not counted in ClinVar's aggregate classification.

Dr. Peter K. Rogan Lab, Western University
No classification provided (evidence only). Condition: Hepatocellular carcinoma. Review status: no classification provided. Collection method: in vitro. Allele origin: not applicable. Functional consequence: cryptic splice site. Not counted in ClinVar's aggregate classification.

Dr. Peter K. Rogan Lab, Western University
No classification provided (evidence only). Condition: Lymphoma. Review status: no classification provided. Collection method: in vitro. Allele origin: not applicable. Functional consequence: cryptic splice site. Not counted in ClinVar's aggregate classification.

Dr. Peter K. Rogan Lab, Western University
No classification provided (evidence only). Condition: Lymphoma. Review status: no classification provided. Collection method: in vitro. Allele origin: not applicable. Functional consequence: cryptic splice site, retained intron. Not counted in ClinVar's aggregate classification.

Dr. Peter K. Rogan Lab, Western University
No classification provided (evidence only). Condition: Lymphoma. Review status: no classification provided. Collection method: in vitro. Allele origin: not applicable. Functional consequence: cryptic splice site. Not counted in ClinVar's aggregate classification.

Dr. Peter K. Rogan Lab, Western University
No classification provided (evidence only). Condition: Ovarian cancer. Review status: no classification provided. Collection method: in vitro. Allele origin: not applicable. Functional consequence: cryptic splice site. Not counted in ClinVar's aggregate classification.

Dr. Peter K. Rogan Lab, Western University
No classification provided (evidence only). Condition: Ovarian cancer. Review status: no classification provided. Collection method: in vitro. Allele origin: not applicable. Functional consequence: cryptic splice site, retained intron. Not counted in ClinVar's aggregate classification.

Dr. Peter K. Rogan Lab, Western University
No classification provided (evidence only). Condition: Ovarian cancer. Review status: no classification provided. Collection method: in vitro. Allele origin: not applicable. Functional consequence: cryptic splice site. Not counted in ClinVar's aggregate classification.

Dr. Peter K. Rogan Lab, Western University
No classification provided (evidence only). Condition: Ovarian cancer. Review status: no classification provided. Collection method: in vitro. Allele origin: not applicable. Functional consequence: cryptic splice site, skipped exon, retained intron. Not counted in ClinVar's aggregate classification.

Dr. Peter K. Rogan Lab, Western University
No classification provided (evidence only). Condition: Ovarian cancer. Review status: no classification provided. Collection method: in vitro. Allele origin: not applicable. Functional consequence: cryptic splice site. Not counted in ClinVar's aggregate classification.

Dr. Peter K. Rogan Lab, Western University
No classification provided (evidence only). Condition: Ovarian cancer. Review status: no classification provided. Collection method: in vitro. Allele origin: not applicable. Functional consequence: cryptic splice site. Not counted in ClinVar's aggregate classification.

Dr. Peter K. Rogan Lab, Western University
No classification provided (evidence only). Condition: Ovarian cancer. Review status: no classification provided. Collection method: in vitro. Allele origin: not applicable. Functional consequence: cryptic splice site. Not counted in ClinVar's aggregate classification.

Dr. Peter K. Rogan Lab, Western University
No classification provided (evidence only). Condition: Ovarian cancer. Review status: no classification provided. Collection method: in vitro. Allele origin: not applicable. Functional consequence: cryptic splice site. Not counted in ClinVar's aggregate classification.

NM_015135.3(NUP205):c.1119G>A (p.Met373Ile)

Gene: NUP205 (nucleoporin 205; plus strand). Cytogenetic location: 7q33.
Variant type: single nucleotide variant.
Coding change: c.1119G>A on transcript NM_015135.3 (MANE Select); coding-DNA position 1119, G replaced by A.
Protein change: p.Met373Ile; replaces methionine 373 with isoleucine.
Molecular consequence: missense variant.
Genome position (GRCh38, 1-based): chr7:135,584,908, G>A. VCF-style: chr7-135584908-G-A. GRCh37 (hg19) VCF-style: chr7-135269656-G-A.
Other names: NC_000007.13:g.135269656G>A; p.Met373Ile; c.45G>A, p.Met15Ile (NM_001329434.2); short protein forms M15I, M373I.
Identifiers: ClinVar variation 1236909 (VCV001236909.6), dbSNP rs61459701, ClinGen allele CA4498020.